The following is an entry in ClinVar:

ClinVar aggregate classification (germline): Uncertain significance (1 of 4 stars; one submission).

Submission:

Ambry Genetics
Classification: Uncertain significance. Last evaluated: 2025-07-31. Review status: criteria provided, single submitter. Criteria: Ambry Variant Classification Scheme 2023. Collection method: clinical testing. Allele origin: germline.
Comment: The p.T99S variant (also known as c.296C>G), located in coding exon 3 of the KIF1B gene, results from a C to G substitution at nucleotide position 296. The threonine at codon 99 is replaced by serine, an amino acid with similar properties. This amino acid position is conserved. In addition, this alteration is predicted to be deleterious by in silico analysis. Based on the available evidence, the clinical significance of this variant remains unclear.

NM_001365951.3(KIF1B):c.296C>G (p.Thr99Ser)

Gene: KIF1B (kinesin family member 1B; plus strand). Cytogenetic location: 1p36.22.
Variant type: single nucleotide variant.
Coding change: c.296C>G on transcript NM_001365951.3 (MANE Select); coding-DNA position 296, C replaced by G.
Protein change: p.Thr99Ser; replaces threonine 99 with serine.
Molecular consequence: missense variant.
Genome position (GRCh38, 1-based): chr1:10,258,605, C>G. VCF-style: chr1-10258605-C-G. GRCh37 (hg19) VCF-style: chr1-10318663-C-G.
Other names: c.296C>G, p.Thr99Ser (NM_001365952.1, NM_001365953.1, NM_015074.3 and 1 more transcripts); short protein forms T99S.
Identifiers: ClinVar variation 4092354 (VCV004092354.1).